The following is an entry in ClinVar:

NM_001267550.2(TTN):c.30384T>C (p.Asp10128=)

Gene: TTN (titin; minus strand). Cytogenetic location: 2q31.2.
Variant type: single nucleotide variant.
Coding change: c.30384T>C on transcript NM_001267550.2 (MANE Select); coding-DNA position 30384, T replaced by C.
Protein change: p.Asp10128=; no amino-acid change (aspartic acid 10128 retained).
Molecular consequence: synonymous variant. On other transcripts: intron variant (3).
Genome position (GRCh38, 1-based): chr2:178,702,503, A>G on the plus strand (T>C on the coding strand, the complement: TTN is on the minus strand). VCF-style: chr2-178702503-A-G. GRCh37 (hg19) VCF-style: chr2-179567230-A-G.
Other names: p.D9811D:GAT>GAC; p.Asp9811=; c.29433T>C, p.Asp9811= (NM_001256850.1); c.26652T>C, p.Asp8884= (NM_133378.4); c.13282+35579T>C (NM_003319.4); c.13858+35579T>C (NM_133437.4); c.13657+35579T>C (NM_133432.3).
Identifiers: ClinVar variation 46833 (VCV000046833.47), dbSNP rs188584219, ClinGen allele CA283072.

ClinVar aggregate classification (germline): Benign/Likely benign. Review status: criteria provided, multiple submitters, no conflicts (2 of 4 stars). 25 submissions from 18 submitters: Benign (16); Likely benign (4). 5 of the submissions do not count toward it. Last evaluated 2026-02-03.

Conditions:
Dilated cardiomyopathy 1G (CMD1G). Identifiers: Orphanet 154, MedGen C1858763, MONDO:0011400, OMIM 604145.
Autosomal recessive limb-girdle muscular dystrophy type 2J (LGMDR10). Also called: MUSCULAR DYSTROPHY, LIMB-GIRDLE, AUTOSOMAL RECESSIVE 10; Limb-girdle muscular dystrophy, type 2J. Identifiers: Orphanet 140922, MedGen C1837342, MONDO:0012127, OMIM 608807.
Cardiomyopathy (CMYO). Also called: Cardiomyopathies. Identifiers: Orphanet 167848, MedGen C0878544, MONDO:0004994, HP:0001638. Inheritance: Various modes of inheritance.
Early-onset myopathy with fatal cardiomyopathy (CMYO5). Also called: CONGENITAL MYOPATHY 5 WITH CARDIOMYOPATHY; Salih Myopathy. Identifiers: Orphanet 289377, MedGen C2673677, MONDO:0012714, OMIM 611705. Disease mechanism: loss of function.
Myopathy, myofibrillar, 9, with early respiratory failure (MFM9). Also called: Myopathy, distal, with early respiratory failure, autosomal dominant; Hereditary myopathy with early respiratory failure; MYOPATHY, PROXIMAL, WITH EARLY RESPIRATORY MUSCLE INVOLVEMENT; EDSTROM MYOPATHY. Identifiers: Orphanet 178464, Orphanet 34521, MedGen C1863599, MONDO:0011362, OMIM 603689.
Tibial muscular dystrophy (TMD). Also called: Udd Distal Myopathy – Tibial Muscular Dystrophy; Tibial muscular dystrophy, tardive; UDD MYOPATHY. Identifiers: Orphanet 609, MedGen C1838244, MONDO:0010870, OMIM 600334.

Allele frequency attached by ClinVar (database versions not stated): TOPMed 0.00105; gnomAD exomes 0.00220 and 0.00373; ESP Exome Variant Server 0.00147; 1000 Genomes Project 0.00599; gnomAD 0.00104 and 0.00177; ExAC 0.00427; 1000 Genomes Project 30x 0.00593.
gnomAD v4.1: 3,516 of 1,613,996 alleles (0.22%); highest among the groups gnomAD compares: South Asian, 2.1%; 52 homozygotes.

Submissions (25):

Labcorp Genetics (formerly Invitae), Labcorp
Classification: Benign for Dilated cardiomyopathy 1G; Autosomal recessive limb-girdle muscular dystrophy type 2J. Last evaluated: 2026-02-03. Review status: criteria provided, single submitter. Criteria: Invitae Variant Classification Sherloc (09022015). Collection method: clinical testing. Allele origin: germline.

Mayo Clinic Laboratories, Mayo Clinic
Classification: Benign. Last evaluated: 2025-09-17. Review status: criteria provided, single submitter. Criteria: ACMG Guidelines, 2015. Collection method: clinical testing. Allele origin: germline. Observed: 9 variant alleles.
Comment: BS1, BS2, BP4, BP7

ARUP Laboratories, Molecular Genetics and Genomics, ARUP Laboratories
Classification: Benign. Last evaluated: 2025-06-23. Review status: criteria provided, single submitter. Criteria: ARUP Molecular Germline Variant Investigation Process 2024. Collection method: clinical testing. Allele origin: germline.

Molecular Diagnostic Laboratory for Inherited Cardiovascular Disease, Montreal Heart Institute
Classification: Benign. Last evaluated: 2025-04-09. Review status: criteria provided, single submitter. Criteria: ACMG Guidelines, 2015. Collection method: clinical testing. Allele origin: germline. Affected: no.

Athena Diagnostics
Classification: Benign. Last evaluated: 2025-01-21. Review status: criteria provided, single submitter. Criteria: Athena Diagnostics Criteria. Collection method: clinical testing. Allele origin: unknown.
Comment: The frequency of this variant in the general population is higher than would generally be expected for pathogenic variants in this gene.

Genome-Nilou Lab
Classification: Benign for Autosomal recessive limb-girdle muscular dystrophy type 2J. Last evaluated: 2021-09-10. Review status: criteria provided, single submitter. Criteria: ACMG Guidelines, 2015. Collection method: clinical testing. Allele origin: germline. Affected: no.

Genome-Nilou Lab
Classification: Benign for Myopathy, myofibrillar, 9, with early respiratory failure. Last evaluated: 2021-09-10. Review status: criteria provided, single submitter. Criteria: ACMG Guidelines, 2015. Collection method: clinical testing. Allele origin: germline. Affected: no.

Genome-Nilou Lab
Classification: Benign for Early-onset myopathy with fatal cardiomyopathy. Last evaluated: 2021-09-10. Review status: criteria provided, single submitter. Criteria: ACMG Guidelines, 2015. Collection method: clinical testing. Allele origin: germline. Affected: no.

Genome-Nilou Lab
Classification: Benign for Tibial muscular dystrophy. Last evaluated: 2021-09-10. Review status: criteria provided, single submitter. Criteria: ACMG Guidelines, 2015. Collection method: clinical testing. Allele origin: germline. Affected: no.

Women's Health and Genetics/Laboratory Corporation of America, LabCorp
Classification: Benign. Last evaluated: 2020-01-06. Review status: criteria provided, single submitter. Criteria: LabCorp Variant Classification Summary - May 2015. Collection method: clinical testing. Allele origin: germline.

CHEO Genetics Diagnostic Laboratory, Children's Hospital of Eastern Ontario
Classification: Benign for Cardiomyopathy. Last evaluated: 2019-05-30. Review status: criteria provided, single submitter. Criteria: ACMG Guidelines, 2015. Collection method: clinical testing. Allele origin: germline.

Illumina Laboratory Services, Illumina
Classification: Likely benign for Autosomal recessive limb-girdle muscular dystrophy type 2J. Last evaluated: 2018-01-13. Review status: criteria provided, single submitter. Criteria: ICSL Variant Classification Criteria 13 December 2019. Collection method: clinical testing. Allele origin: germline.
Comment: This variant was observed in the ICSL laboratory as part of a predisposition screen in an ostensibly healthy population. It had not been previously curated by ICSL or reported in the Human Gene Mutation Database (HGMD: prior to June 1st, 2018), and was therefore a candidate for classification through an automated scoring system. Utilizing variant allele frequency, disease prevalence and penetrance estimates, and inheritance mode, an automated score was calculated to assess if this variant is too frequent to cause the disease. Based on the score and internal cut-off values, a variant classified as likely benign is not then subjected to further curation. The score for this variant resulted in a classification of likely benign for this disease.

Illumina Laboratory Services, Illumina
Classification: Likely benign for Early-onset myopathy with fatal cardiomyopathy. Last evaluated: 2018-01-13. Review status: criteria provided, single submitter. Criteria: ICSL Variant Classification Criteria 13 December 2019. Collection method: clinical testing. Allele origin: germline.
Comment: the same text as in the submission from Illumina Laboratory Services, Illumina above.

Illumina Laboratory Services, Illumina
Classification: Benign for Myopathy, myofibrillar, 9, with early respiratory failure. Last evaluated: 2018-01-13. Review status: criteria provided, single submitter. Criteria: ICSL Variant Classification Criteria 13 December 2019. Collection method: clinical testing. Allele origin: germline.
Comment: This variant was observed in the ICSL laboratory as part of a predisposition screen in an ostensibly healthy population. It had not been previously curated by ICSL or reported in the Human Gene Mutation Database (HGMD: prior to June 1st, 2018), and was therefore a candidate for classification through an automated scoring system. Utilizing variant allele frequency, disease prevalence and penetrance estimates, and inheritance mode, an automated score was calculated to assess if this variant is too frequent to cause the disease. Based on the score and internal cut-off values, a variant classified as benign is not then subjected to further curation. The score for this variant resulted in a classification of benign for this disease.

Illumina Laboratory Services, Illumina
Classification: Benign for Tibial muscular dystrophy. Last evaluated: 2018-01-13. Review status: criteria provided, single submitter. Criteria: ICSL Variant Classification Criteria 13 December 2019. Collection method: clinical testing. Allele origin: germline.
Comment: the same text as in the submission from Illumina Laboratory Services, Illumina above.

Illumina Laboratory Services, Illumina
Classification: Likely benign for Dilated cardiomyopathy 1G. Last evaluated: 2018-01-13. Review status: criteria provided, single submitter. Criteria: ICSL Variant Classification Criteria 13 December 2019. Collection method: clinical testing. Allele origin: germline.
Comment: the same text as in the submission from Illumina Laboratory Services, Illumina above.

Eurofins Ntd Llc (ga)
Classification: Benign. Last evaluated: 2015-09-01. Review status: criteria provided, single submitter. Criteria: EGL Classification Definitions 2015. Collection method: clinical testing. Allele origin: germline. Observed: 1 variant allele, 1 heterozygote.

Laboratory for Molecular Medicine, Mass General Brigham Personalized Medicine
Classification: Benign. Last evaluated: 2015-04-28. Review status: criteria provided, single submitter. Criteria: LMM Criteria. Collection method: clinical testing. Allele origin: germline. Observed: 13 variant alleles.
Comment: p.Asp8884Asp in exon 104 of TTN: This variant is not expected to have clinical s ignificance because it has been identified in 2.3% (384/16512) of South Asian ch romosomes, including 7 homozygotes, by the Exome Aggregation Consortium (ExAC; dbSNP rs188584219).

GeneDx
Classification: Benign. Last evaluated: 2012-12-19. Review status: criteria provided, single submitter. Criteria: GeneDx Variant Classification (06012015). Collection method: clinical testing. Allele origin: germline. Affected: yes.
Comment: This variant is considered likely benign or benign based on one or more of the following criteria: it is a conservative change, it occurs at a poorly conserved position in the protein, it is predicted to be benign by multiple in silico algorithms, and/or has population frequency not consistent with disease.

Breakthrough Genomics
Classification: Likely benign. Review status: criteria provided, single submitter. Criteria: ACMG Guidelines, 2015. Collection method: not provided. Allele origin: germline. Inheritance: Autosomal recessive inheritance. Affected: yes.

Clinical Genetics DNA and cytogenetics Diagnostics Lab, Erasmus MC, Erasmus Medical Center
Classification: Benign. Review status: no assertion criteria provided. Collection method: clinical testing. Allele origin: germline. Affected: yes. Study: VKGL Data-share Consensus. Not counted in ClinVar's aggregate classification.

Clinical Genetics, Academic Medical Center
Classification: Benign. Review status: no assertion criteria provided. Collection method: clinical testing. Allele origin: germline. Affected: yes. Study: VKGL Data-share Consensus. Not counted in ClinVar's aggregate classification.

Diagnostic Laboratory, Department of Genetics, University Medical Center Groningen
Classification: Benign. Review status: no assertion criteria provided. Collection method: clinical testing. Allele origin: germline. Affected: yes. Study: VKGL Data-share Consensus. Not counted in ClinVar's aggregate classification.

Joint Genome Diagnostic Labs from Nijmegen and Maastricht, Radboudumc and MUMC+
Classification: Benign. Review status: no assertion criteria provided. Collection method: clinical testing. Allele origin: germline. Affected: yes. Study: VKGL Data-share Consensus. Not counted in ClinVar's aggregate classification.

Laboratory of Diagnostic Genome Analysis, Leiden University Medical Center (LUMC)
Classification: Likely benign. Review status: no assertion criteria provided. Collection method: clinical testing. Allele origin: germline. Affected: yes. Study: VKGL Data-share Consensus. Not counted in ClinVar's aggregate classification.